The following is an entry in ClinVar:

NM_152564.5(VPS13B):c.11637A>T (p.Thr3879=)

Gene: VPS13B (vacuolar protein sorting 13 homolog B; plus strand). Cytogenetic location: 8q22.2.
Variant type: single nucleotide variant.
Coding change: c.11637A>T on transcript NM_152564.5 (MANE Select); coding-DNA position 11637, A replaced by T.
Protein change: p.Thr3879=; no amino-acid change (threonine 3879 retained).
Molecular consequence: synonymous variant.
Genome position (GRCh38, 1-based): chr8:99,871,589, A>T. VCF-style: chr8-99871589-A-T. GRCh37 (hg19) VCF-style: chr8-100883817-A-T.
Other names: c.11712A>T, p.Thr3904= (NM_017890.5).
Identifiers: ClinVar variation 4681887 (VCV004681887.5).

ClinVar aggregate classification (germline): Likely benign (1 of 4 stars; one submission).

Submission:

CeGaT Center for Human Genetics Tuebingen
Classification: Likely benign. Last evaluated: 2025-12-01. Review status: criteria provided, single submitter. Criteria: CeGaT Center For Human Genetics Tuebingen Variant Classification Criteria Version 2. Collection method: clinical testing. Allele origin: germline. Affected: yes. Observed: 1 variant allele.
Comment: VPS13B: PM2:Supporting, BP4, BP7